The following is an entry in ClinVar:

NM_144670.6(A2ML1):c.1265A>G (p.Glu422Gly)

Gene: A2ML1 (alpha-2-macroglobulin like 1; plus strand). Cytogenetic location: 12p13.31.
Variant type: single nucleotide variant.
Coding change: c.1265A>G on transcript NM_144670.6 (MANE Select); coding-DNA position 1265, A replaced by G.
Protein change: p.Glu422Gly; replaces glutamic acid 422 with glycine.
Molecular consequence: missense variant.
Genome position (GRCh38, 1-based): chr12:8,843,150, A>G. VCF-style: chr12-8843150-A-G. GRCh37 (hg19) VCF-style: chr12-8995746-A-G.
Other names: c.1265A>G (NM_144670.3); short protein forms E422G.
Identifiers: ClinVar variation 1466143 (VCV001466143.10), dbSNP rs369248688, ClinGen allele CA232677475.
Genomic context (GRCh38, chr12:8,843,150, plus strand): 5'-GTTGGAGCACATGCTAAAATTCTCTCTCTCTCTTTTATTCTCAGGGAAAGTTTCAAATGG[A>G]AGACTTAGTATATAATCCGGAACAAGTGCCACGTTACTACCAAAATGCCTACCTGCACCT-3'
Protein context (NP_653271.3, residues 412-432): DVSLEGKFQM[Glu422Gly]DLVYNPEQVP

ClinVar aggregate classification (germline): Uncertain significance. Review status: criteria provided, multiple submitters, no conflicts (2 of 4 stars). 2 submissions from 2 submitters: Uncertain significance (2). Last evaluated 2025-10-19.

Allele frequency attached by ClinVar (database versions not stated): gnomAD 0.00001; TOPMed 0.00001; ESP Exome Variant Server 0.00008.
gnomAD v4.1: 1 of 1,613,968 alleles (0.000062%); highest among the groups gnomAD compares: African/African-American, 0.0013%; no homozygotes.

Submissions (2):

Labcorp Genetics (formerly Invitae), Labcorp
Classification: Uncertain significance. Last evaluated: 2025-10-19. Review status: criteria provided, single submitter. Criteria: Invitae Variant Classification Sherloc (09022015). Collection method: clinical testing. Allele origin: germline.
Comment: This sequence change replaces glutamic acid, which is acidic and polar, with glycine, which is neutral and non-polar, at codon 422 of the A2ML1 protein (p.Glu422Gly). This variant is not present in population databases (gnomAD no frequency). This variant has not been reported in the literature in individuals affected with A2ML1-related conditions. ClinVar contains an entry for this variant (Variation ID: 1466143). An algorithm developed to predict the effect of missense changes on protein structure and function (PolyPhen-2) suggests that this variant is likely to be tolerated. In summary, the available evidence is currently insufficient to determine the role of this variant in disease. Therefore, it has been classified as a Variant of Uncertain Significance.

Ambry Genetics
Classification: Uncertain significance. Last evaluated: 2025-03-25. Review status: criteria provided, single submitter. Criteria: Ambry Variant Classification Scheme 2023. Collection method: clinical testing. Allele origin: germline.
Comment: The p.E422G variant (also known as c.1265A>G), located in coding exon 12 of the A2ML1 gene, results from an A to G substitution at nucleotide position 1265. The glutamic acid at codon 422 is replaced by glycine, an amino acid with similar properties. This amino acid position is conserved. In addition, this alteration is predicted to be tolerated by in silico analysis. Since supporting evidence is limited at this time, the clinical significance of this alteration remains unclear.